The following is an entry in ClinVar:

NM_001375808.2(LPIN2):c.1673G>A (p.Trp558Ter)

Gene: LPIN2 (lipin 2; minus strand). Cytogenetic location: 18p11.31.
Variant type: single nucleotide variant.
Coding change: c.1673G>A on transcript NM_001375808.2 (MANE Select); coding-DNA position 1673, G replaced by A.
Protein change: p.Trp558Ter; replaces tryptophan 558 with a stop codon.
Molecular consequence: nonsense.
Genome position (GRCh38, 1-based): chr18:2,927,759, C>T on the plus strand (G>A on the coding strand, the complement: LPIN2 is on the minus strand). VCF-style: chr18-2927759-C-T. GRCh37 (hg19) VCF-style: chr18-2927757-C-T.
Other names: c.1673G>A, p.Trp558Ter (NM_001375809.1, NM_014646.2); short protein forms W558*.
Identifiers: ClinVar variation 2760513 (VCV002760513.3), dbSNP rs2510249351, ClinGen allele CA401703604.

ClinVar aggregate classification (germline): Pathogenic (1 of 4 stars; one submission).

Conditions:
Majeed syndrome (MJDS). Also called: CHRONIC RECURRENT MULTIFOCAL OSTEOMYELITIS 1, WITH CONGENITAL DYSERYTHROPOIETIC ANEMIA, WITH OR WITHOUT NEUTROPHILIC DERMATOSIS; LPIN2-Related Majeed Syndrome. Identifiers: Orphanet 77297, MedGen C1864997, MONDO:0012316, OMIM 609628.

Submission:

Labcorp Genetics (formerly Invitae), Labcorp
Classification: Pathogenic for Majeed syndrome. Last evaluated: 2023-09-13. Review status: criteria provided, single submitter. Criteria: Invitae Variant Classification Sherloc (09022015). Collection method: clinical testing. Allele origin: germline.
Comment: For these reasons, this variant has been classified as Pathogenic. This variant has not been reported in the literature in individuals affected with LPIN2-related conditions. This variant is not present in population databases (gnomAD no frequency). This sequence change creates a premature translational stop signal (p.Trp558*) in the LPIN2 gene. It is expected to result in an absent or disrupted protein product. Loss-of-function variants in LPIN2 are known to be pathogenic (PMID: 15994876, 23087183).

Literature cited by the submitters: PubMed 15994876; PubMed 23087183.